The following is an entry in ClinVar:

NM_003931.3(WASF1):c.552A>G (p.Leu184=)

Gene: WASF1 (WASP family member 1; minus strand). Cytogenetic location: 6q21.
Variant type: single nucleotide variant.
Coding change: c.552A>G on transcript NM_003931.3 (MANE Select); coding-DNA position 552, A replaced by G.
Protein change: p.Leu184=; no amino-acid change (leucine 184 retained).
Molecular consequence: synonymous variant.
Genome position (GRCh38, 1-based): chr6:110,105,568, T>C on the plus strand (A>G on the coding strand, the complement: WASF1 is on the minus strand). VCF-style: chr6-110105568-T-C. GRCh37 (hg19) VCF-style: chr6-110426771-T-C.
Other names: c.552A>G, p.Leu184= (NM_001024934.2, NM_001024935.2, NM_001024936.2).
Identifiers: ClinVar variation 5040299 (VCV005040299.1).

ClinVar aggregate classification (germline): Likely benign (1 of 4 stars; one submission).

Submission:

CeGaT Center for Human Genetics Tuebingen
Classification: Likely benign. Last evaluated: 2026-07-01. Review status: criteria provided, single submitter. Criteria: CeGaT Center For Human Genetics Tuebingen Variant Classification Criteria Version 2. Collection method: clinical testing. Allele origin: germline. Affected: yes. Observed: 1 variant allele.
Comment: WASF1: PM2:Supporting, BP4, BP7